The following is an entry in ClinVar:

ClinVar aggregate classification (germline): Pathogenic. Review status: criteria provided, single submitter (1 of 4 stars). 2 submissions from 2 submitters: Pathogenic (1). 1 of the submissions does not count toward it. Last evaluated 2023-01-13.

Conditions:
Mucopolysaccharidosis, MPS-III-B (MPS3B). Also called: MPS III B; MUCOPOLYSACCHARIDOSIS, TYPE IIIB; N-ACETYL-ALPHA-D-GLUCOSAMINIDASE DEFICIENCY; NAGLU DEFICIENCY; SANFILIPPO SYNDROME B; Mucopolysaccharidosis type IIIB (Sanfilippo B). Identifiers: Orphanet 79270, MedGen C0086648, MONDO:0009656, OMIM 252920.
Charcot-Marie-Tooth disease axonal type 2V. Also called: CHARCOT-MARIE-TOOTH NEUROPATHY, TYPE 2V; CHARCOT-MARIE-TOOTH DISEASE, AXONAL, AUTOSOMAL DOMINANT, TYPE 2V. Identifiers: Orphanet 447964, MedGen C5569050, MONDO:0014665, OMIM 616491.

Submissions (2):

Labcorp Genetics (formerly Invitae), Labcorp
Classification: Pathogenic for Charcot-Marie-Tooth disease axonal type 2V; Mucopolysaccharidosis, MPS-III-B. Last evaluated: 2023-01-13. Review status: criteria provided, single submitter. Criteria: Invitae Variant Classification Sherloc (09022015). Collection method: clinical testing. Allele origin: germline.
Comment: For these reasons, this variant has been classified as Pathogenic. This variant disrupts a region of the NAGLU protein in which other variant(s) (p.Val724Glyfs*32) have been determined to be pathogenic (PMID: 10094189; Invitae). This suggests that this is a clinically significant region of the protein, and that variants that disrupt it are likely to be disease-causing. ClinVar contains an entry for this variant (Variation ID: 558459). This premature translational stop signal has been observed in individual(s) with mucopolysaccharidosis type III (PMID: 21910976). This variant is not present in population databases (gnomAD no frequency). This sequence change creates a premature translational stop signal (p.Tyr558*) in the NAGLU gene. While this is not anticipated to result in nonsense mediated decay, it is expected to disrupt the last 186 amino acid(s) of the NAGLU protein.

Counsyl
Classification: Likely pathogenic for Mucopolysaccharidosis, MPS-III-B. Last evaluated: 2018-05-23. Review status: no assertion criteria provided. Collection method: clinical testing. Allele origin: unknown. Not counted in ClinVar's aggregate classification.

Literature cited by the submitters: PubMed 10094189 (cited by Labcorp Genetics (formerly Invitae), Labcorp); PubMed 21910976 (cited by Labcorp Genetics (formerly Invitae), Labcorp and Counsyl).

NM_000263.4(NAGLU):c.1674C>G (p.Tyr558Ter)

Gene: NAGLU (N-acetyl-alpha-glucosaminidase; plus strand). Cytogenetic location: 17q21.2.
Variant type: single nucleotide variant.
Coding change: c.1674C>G on transcript NM_000263.4 (MANE Select); coding-DNA position 1674, C replaced by G.
Protein change: p.Tyr558Ter; replaces tyrosine 558 with a stop codon.
Molecular consequence: nonsense.
Genome position (GRCh38, 1-based): chr17:42,543,680, C>G. VCF-style: chr17-42543680-C-G. GRCh37 (hg19) VCF-style: chr17-40695698-C-G.
Other names: short protein forms Y558*.
Identifiers: ClinVar variation 558459 (VCV000558459.5), dbSNP rs762031686, ClinGen allele CA399604427.